The following is an entry in ClinVar:

ClinVar aggregate classification (germline): Conflicting classifications of pathogenicity. Review status: criteria provided, conflicting classifications (1 of 4 stars). 7 submissions from 7 submitters: Uncertain significance (1); Benign (2); Likely benign (4). Last evaluated 2026-01-20.

Conditions:
Meniere disease. Also called: Ménière's disease. Identifiers: MedGen C0025281, MONDO:0007972, OMIM 156000.

Allele frequency attached by ClinVar (database versions not stated): gnomAD 0.00188 and 0.00202; gnomAD exomes 0.00230 and 0.00261; TOPMed 0.00232; 1000 Genomes Project 0.00240; 1000 Genomes Project 30x 0.00250; ExAC 0.00368.
gnomAD v4.1: 3,569 of 1,550,166 alleles (0.23%); highest among the groups gnomAD compares: Middle Eastern, 0.79%; 11 homozygotes.

Submissions (7):

Labcorp Genetics (formerly Invitae), Labcorp
Classification: Benign. Last evaluated: 2026-01-20. Review status: criteria provided, single submitter. Criteria: Invitae Variant Classification Sherloc (09022015). Collection method: clinical testing. Allele origin: germline.

CeGaT Center for Human Genetics Tuebingen
Classification: Likely benign. Last evaluated: 2026-01-01. Review status: criteria provided, single submitter. Criteria: CeGaT Center For Human Genetics Tuebingen Variant Classification Criteria Version 2. Collection method: clinical testing. Allele origin: germline. Affected: yes. Observed: 7 variant alleles.
Comment: OTOG: BP4

Mayo Clinic Laboratories, Mayo Clinic
Classification: Likely benign. Last evaluated: 2025-11-28. Review status: criteria provided, single submitter. Criteria: ACMG Guidelines, 2015. Collection method: clinical testing. Allele origin: germline. Observed: 1 variant allele.
Comment: BS1_supporting, BP4

Blueprint Genetics
Classification: Likely benign. Last evaluated: 2024-11-23. Review status: criteria provided, single submitter. Criteria: ACMG Guidelines, 2015. Collection method: clinical testing. Allele origin: germline.

GeneDx
Classification: Likely benign. Last evaluated: 2021-06-03. Review status: criteria provided, single submitter. Criteria: GeneDx Variant Classification Process June 2021. Collection method: clinical testing. Allele origin: germline. Affected: yes.

Otology & Neurotology- Genomics of vestibular disorders (CTS-495), Jose Antonio López Escámez, Centro Pfizer - Universidad de Granada - Junta de Andalucía de Genómica e Investigación Oncológica (GENYO)
Classification: Uncertain significance for Meniere disease. Last evaluated: 2020-01-01. Review status: criteria provided, single submitter. Criteria: ACMG Guidelines, 2015. Collection method: case-control. Allele origin: germline. Affected: yes. Observed: 1 variant allele, 1 heterozygote.

Laboratory for Molecular Medicine, Mass General Brigham Personalized Medicine
Classification: Benign. Last evaluated: 2015-09-08. Review status: criteria provided, single submitter. Criteria: LMM Criteria. Collection method: clinical testing. Allele origin: germline. Observed: 5 variant alleles.
Comment: p.Arg2802His in exon 52 of OTOG: This variant is not expected to have clinical s ignificance because it has been identified in 0.4% (54/14664) of chromosomes by the Exome Aggregation Consortium (ExAC; dbSNP rs 117315845).

NM_001292063.2(OTOG):c.8369G>A (p.Arg2790His)

Gene: OTOG (otogelin; plus strand). Cytogenetic location: 11p15.1.
Variant type: single nucleotide variant.
Coding change: c.8369G>A on transcript NM_001292063.2 (MANE Select); coding-DNA position 8369, G replaced by A.
Protein change: p.Arg2790His; replaces arginine 2790 with histidine.
Molecular consequence: missense variant.
Genome position (GRCh38, 1-based): chr11:17,642,200, G>A. VCF-style: chr11-17642200-G-A. GRCh37 (hg19) VCF-style: chr11-17663747-G-A.
Other names: c.[8405G>A] (NM_001277269.2); c.8405G>A, p.Arg2802His (NM_001277269.2); short protein forms R2802H, R2790H.
Identifiers: ClinVar variation 226920 (VCV000226920.57), dbSNP rs117315845, ClinGen allele CA5906282.